The following is an entry in ClinVar:

NM_001042492.3(NF1):c.5570T>C (p.Ile1857Thr)

Gene: NF1 (neurofibromin 1; plus strand). Cytogenetic location: 17q11.2.
Variant type: single nucleotide variant.
Coding change: c.5570T>C on transcript NM_001042492.3 (MANE Select); coding-DNA position 5570, T replaced by C.
Protein change: p.Ile1857Thr; replaces isoleucine 1857 with threonine.
Molecular consequence: missense variant.
Genome position (GRCh38, 1-based): chr17:31,327,800, T>C. VCF-style: chr17-31327800-T-C. GRCh37 (hg19) VCF-style: chr17-29654818-T-C.
Other names: c.5507T>C, p.Ile1836Thr (NM_000267.4); short protein forms I1836T, I1857T.
Identifiers: ClinVar variation 3404672 (VCV003404672.2).
Genomic context (GRCh38, chr17:31,327,800, plus strand): 5'-ACTCTATCCCCCAACACACCAAGATTCGGCCAAAAGATGTCCCTGGGACACTGCTCAATA[T>C]CGCATTACTTAATTTAGGCAGTTCTGACCCGAGTTTACGGTAGGTTTTTTAAAATTCTCT-3'
Protein context (NP_001035957.1, residues 1847-1867): PKDVPGTLLN[Ile1857Thr]ALLNLGSSDP

ClinVar aggregate classification (germline): Uncertain significance. Review status: criteria provided, multiple submitters, no conflicts (2 of 4 stars). 2 submissions from 2 submitters: Uncertain significance (2). Last evaluated 2026-01-04.

Conditions:
Neurofibromatosis, type 1 (NF1). Also called: NEUROFIBROMATOSIS, TYPE I, SOMATIC; Neurofibromatosis, type I; Peripheral type neurofibromatosis; VON RECKLINGHAUSEN DISEASE. Identifiers: Orphanet 636, MedGen C0027831, MONDO:0018975, OMIM 162200. Disease mechanism: loss of function.
Hereditary cancer-predisposing syndrome. Also called: Hereditary Cancer Syndrome; Hereditary neoplastic syndrome; Neoplastic Syndromes, Hereditary; Tumor predisposition. Identifiers: Orphanet 140162, MedGen C0027672, MeSH D009386, MONDO:0015356.
Cardiovascular phenotype. Identifiers: MedGen CN230736.

gnomAD v4.1: 1 of 1,614,168 alleles (0.000062%); highest among the groups gnomAD compares: Non-Finnish European, 0.000085%; no homozygotes.

Submissions (2):

Labcorp Genetics (formerly Invitae), Labcorp
Classification: Uncertain significance for Neurofibromatosis, type 1. Last evaluated: 2026-01-04. Review status: criteria provided, single submitter. Criteria: Invitae Variant Classification Sherloc (09022015). Collection method: clinical testing. Allele origin: germline.
Comment: This sequence change replaces isoleucine, which is neutral and non-polar, with threonine, which is neutral and polar, at codon 1836 of the NF1 protein (p.Ile1836Thr). This variant is not present in population databases (gnomAD no frequency). This variant has not been reported in the literature in individuals affected with NF1-related conditions. ClinVar contains an entry for this variant (Variation ID: 3404672). Invitae Evidence Modeling of protein sequence and biophysical properties (such as structural, functional, and spatial information, amino acid conservation, physicochemical variation, residue mobility, and thermodynamic stability) indicates that this missense variant is expected to disrupt NF1 protein function with a positive predictive value of 95%. In summary, the available evidence is currently insufficient to determine the role of this variant in disease. Therefore, it has been classified as a Variant of Uncertain Significance.

Ambry Genetics
Classification: Uncertain significance for Cardiovascular phenotype; Hereditary cancer-predisposing syndrome. Last evaluated: 2024-08-05. Review status: criteria provided, single submitter. Criteria: Ambry Variant Classification Scheme 2023. Collection method: clinical testing. Allele origin: germline.
Comment: The p.I1836T variant (also known as c.5507T>C), located in coding exon 37 of the NF1 gene, results from a T to C substitution at nucleotide position 5507. The isoleucine at codon 1836 is replaced by threonine, an amino acid with similar properties. This amino acid position is highly conserved in available vertebrate species. In addition, this alteration is predicted to be deleterious by in silico analysis. Based on the available evidence, the clinical significance of this variant remains unclear.